The following is an entry in ClinVar:

ClinVar aggregate classification (germline): Conflicting classifications of pathogenicity. Review status: criteria provided, conflicting classifications (1 of 4 stars). 5 submissions from 5 submitters: Uncertain significance (2); Benign (1); Likely benign (2). Last evaluated 2026-01-11.

Conditions:
TRIM2-related disorder. Also called: TRIM2-related condition.
Charcot-Marie-Tooth disease type 2R. Also called: Charcot-Marie-Tooth disease, axonal, type 2R; CHARCOT-MARIE-TOOTH DISEASE, AXONAL, AUTOSOMAL RECESSIVE, TYPE 2R; CHARCOT-MARIE-TOOTH NEUROPATHY, TYPE 2R. Identifiers: Orphanet 397968, MedGen C3809655, MONDO:0014208, OMIM 615490.

Allele frequency attached by ClinVar (database versions not stated): 1000 Genomes Project 30x 0.00187; gnomAD 0.00056 and 0.00061; TOPMed 0.00056; ESP Exome Variant Server 0.00100; 1000 Genomes Project 0.00140.
gnomAD v4.1: 148 of 1,613,920 alleles (0.0092%); highest among the groups gnomAD compares: African/African-American, 0.17%; no homozygotes.

Submissions (7):

Labcorp Genetics (formerly Invitae), Labcorp
Classification: Benign for Charcot-Marie-Tooth disease type 2R. Last evaluated: 2026-01-11. Review status: criteria provided, single submitter. Criteria: Invitae Variant Classification Sherloc (09022015). Collection method: clinical testing. Allele origin: germline.

PreventionGenetics, part of Exact Sciences
Classification: Likely benign for TRIM2-related condition. Last evaluated: 2025-01-16. Review status: criteria provided, single submitter. Criteria: ACMG Guidelines, 2015. Collection method: clinical testing. Allele origin: germline.
Comment: This variant is classified as likely benign based on ACMG/AMP sequence variant interpretation guidelines (Richards et al. 2015 PMID: 25741868, with internal and published modifications).

Mayo Clinic Laboratories, Mayo Clinic
Classification: Likely benign. Last evaluated: 2025-01-02. Review status: criteria provided, single submitter. Criteria: ACMG Guidelines, 2015. Collection method: clinical testing. Allele origin: germline. Observed: 1 variant allele.
Comment: BP4, BP7

GeneDx
Classification: Uncertain significance. Last evaluated: 2019-06-13. Review status: criteria provided, single submitter. Criteria: GeneDx Variant Classification Process June 2021. Collection method: clinical testing. Allele origin: germline. Affected: yes.
Comment: Has not been previously published as pathogenic or benign to our knowledge; In silico analysis, which includes splice predictors and evolutionary conservation, suggests this variant may impact gene splicing. In the absence of RNA/functional studies, the actual effect of this sequence change is unknown.

ARUP Laboratories, Molecular Genetics and Genomics, ARUP Laboratories
Classification: Uncertain significance. Last evaluated: 2017-11-17. Review status: criteria provided, single submitter. Criteria: ARUP Molecular Germline Variant Investigation Process. Collection method: clinical testing. Allele origin: germline.
Comment: The c.996C>T variant (rs116558260) has not been reported in the medical literature, and is not listed in gene-specific variant databases. The c.996C>T variant is also listed in the Genome Aggregation Database (gnomAD) browser with an allele frequency of 0.18% in the African population (identified in 43 out of 23,970 chromosomes). The cytosine at nucleotide 996 is weakly conserved, but computational analyses predict that this variant creates a cryptic splice donor site (Alamut software v2.10.0). Therefore, based on the available information, the clinical significance of the c.996C>T variant cannot be determined with certainty.

Dr. Peter K. Rogan Lab, Western University
No classification provided (evidence only). Condition: Colon adenocarcinoma. Review status: no classification provided. Collection method: in vitro. Allele origin: not applicable. Functional consequence: retained intron. Not counted in ClinVar's aggregate classification.

Dr. Peter K. Rogan Lab, Western University
No classification provided (evidence only). Condition: Gastric cancer. Review status: no classification provided. Collection method: in vitro. Allele origin: not applicable. Functional consequence: retained intron. Not counted in ClinVar's aggregate classification.

NM_015271.5(TRIM2):c.1077C>T (p.Gly359=)

Gene: TRIM2 (tripartite motif containing 2; plus strand). Cytogenetic location: 4q31.3.
Variant type: single nucleotide variant.
Coding change: c.1077C>T on transcript NM_015271.5 (MANE Select); coding-DNA position 1077, C replaced by T.
Protein change: p.Gly359=; no amino-acid change (glycine 359 retained).
Molecular consequence: synonymous variant.
Genome position (GRCh38, 1-based): chr4:153,295,603, C>T. VCF-style: chr4-153295603-C-T. GRCh37 (hg19) VCF-style: chr4-154216755-C-T.
Other names: p.Gly332=; c.1077C>T (NM_015271.4); c.996C>T, p.Gly332= (NM_001130067.2, NM_001351056.2); c.1050C>T, p.Gly350= (NM_001351054.2); c.1047C>T, p.Gly349= (NM_001351055.2); c.621C>T, p.Gly207= (NM_001351057.2).
Identifiers: ClinVar variation 474620 (VCV000474620.23), dbSNP rs116558260, ClinGen allele CA3108682.